The following is an entry in ClinVar:

ClinVar aggregate classification (germline): Uncertain significance. Review status: criteria provided, multiple submitters, no conflicts (2 of 4 stars). 2 submissions from 2 submitters: Uncertain significance (2). Last evaluated 2024-06-02.

Allele frequency attached by ClinVar (database versions not stated): gnomAD 0.00009; ExAC 0.00013; gnomAD exomes 0.00019; TOPMed 0.00022; 1000 Genomes Project 0.00060; 1000 Genomes Project 30x 0.00062.
gnomAD v4.1: 79 of 1,613,758 alleles (0.0049%); highest among the groups gnomAD compares: Admixed American, 0.12%; no homozygotes.

Submissions (2):

GeneDx
Classification: Uncertain significance. Last evaluated: 2024-06-02. Review status: criteria provided, single submitter. Criteria: GeneDx Variant Classification Process June 2021. Collection method: clinical testing. Allele origin: germline. Affected: yes.
Comment: In silico analysis supports that this missense variant has a deleterious effect on protein structure/function; Has not been previously published as pathogenic or benign to our knowledge

Ambry Genetics
Classification: Uncertain significance. Last evaluated: 2021-12-17. Review status: criteria provided, single submitter. Criteria: Ambry Variant Classification Scheme 2023. Collection method: clinical testing. Allele origin: germline.

NM_001378328.1(CELSR1):c.3109C>A (p.Gln1037Lys)

Gene: CELSR1 (cadherin EGF LAG seven-pass G-type receptor 1; minus strand). Cytogenetic location: 22q13.31.
Variant type: single nucleotide variant.
Coding change: c.3109C>A on transcript NM_001378328.1 (MANE Select); coding-DNA position 3109, C replaced by A.
Protein change: p.Gln1037Lys; replaces glutamine 1037 with lysine.
Molecular consequence: missense variant.
Genome position (GRCh38, 1-based): chr22:46,534,062, G>T on the plus strand (C>A on the coding strand, the complement: CELSR1 is on the minus strand). VCF-style: chr22-46534062-G-T. GRCh37 (hg19) VCF-style: chr22-46929959-G-T.
Other names: c.3109C>A, p.Gln1037Lys (NM_014246.4); short protein forms Q1037K.
Identifiers: ClinVar variation 1700798 (VCV001700798.6), dbSNP rs562898241, ClinGen allele CA10295094.